The following is an entry in ClinVar:

NM_024747.6(HPS6):c.933G>A (p.Pro311=)

Gene: HPS6 (HPS6 biogenesis of lysosomal organelles complex 2 subunit 3; plus strand). Cytogenetic location: 10q24.32.
Variant type: single nucleotide variant.
Coding change: c.933G>A on transcript NM_024747.6 (MANE Select); coding-DNA position 933, G replaced by A.
Protein change: p.Pro311=; no amino-acid change (proline 311 retained).
Molecular consequence: synonymous variant.
Genome position (GRCh38, 1-based): chr10:102,066,407, G>A. VCF-style: chr10-102066407-G-A. GRCh37 (hg19) VCF-style: chr10-103826164-G-A.
Other names: c.933G>A (NM_024747.5).
Identifiers: ClinVar variation 1117978 (VCV001117978.11), dbSNP rs200281648, ClinGen allele CA5659884.

ClinVar aggregate classification (germline): Likely benign. Review status: criteria provided, multiple submitters, no conflicts (2 of 4 stars). 3 submissions from 3 submitters: Likely benign (2). 1 of the submissions does not count toward it. Last evaluated 2025-09-30.

Conditions:
HPS6-related disorder. Also called: HPS6-related condition.

Allele frequency attached by ClinVar (database versions not stated): gnomAD 0.00002; gnomAD exomes 0.00003; ESP Exome Variant Server 0.00008.

Submissions (3):

Labcorp Genetics (formerly Invitae), Labcorp
Classification: Likely benign. Last evaluated: 2025-09-30. Review status: criteria provided, single submitter. Criteria: Invitae Variant Classification Sherloc (09022015). Collection method: clinical testing. Allele origin: germline.

Blueprint Genetics
Classification: Likely benign. Last evaluated: 2022-04-22. Review status: criteria provided, single submitter. Criteria: ACMG Guidelines, 2015. Collection method: clinical testing. Allele origin: germline.

PreventionGenetics, part of Exact Sciences
Classification: Likely benign for HPS6-related condition. Last evaluated: 2024-05-31. Review status: no assertion criteria provided. Collection method: clinical testing. Allele origin: germline. Not counted in ClinVar's aggregate classification.
Comment: This variant is classified as likely benign based on ACMG/AMP sequence variant interpretation guidelines (Richards et al. 2015 PMID: 25741868, with internal and published modifications).